The following is an entry in ClinVar:

ClinVar aggregate classification (germline): Benign/Likely benign. Review status: criteria provided, multiple submitters, no conflicts (2 of 4 stars). 3 submissions from 3 submitters: Benign (1); Likely benign (2). Last evaluated 2026-03-01.

Allele frequency attached by ClinVar (database versions not stated): TOPMed 0.00014; ESP Exome Variant Server 0.00015; gnomAD 0.00016 and 0.00027; 1000 Genomes Project 30x 0.00031; 1000 Genomes Project 0.00040; gnomAD exomes 0.00040 and 0.00072; ExAC 0.00075.
gnomAD v4.1: 643 of 1,613,390 alleles (0.04%); highest among the groups gnomAD compares: Middle Eastern, 0.42%; 3 homozygotes.

Submissions (3):

CeGaT Center for Human Genetics Tuebingen
Classification: Likely benign. Last evaluated: 2026-03-01. Review status: criteria provided, single submitter. Criteria: CeGaT Center For Human Genetics Tuebingen Variant Classification Criteria Version 2. Collection method: clinical testing. Allele origin: germline. Affected: yes. Observed: 3 variant alleles.
Comment: PRKD1: BP4, BP7

Blueprint Genetics
Classification: Likely benign. Last evaluated: 2024-11-27. Review status: criteria provided, single submitter. Criteria: ACMG Guidelines, 2015. Collection method: clinical testing. Allele origin: germline.

Labcorp Genetics (formerly Invitae), Labcorp
Classification: Benign. Last evaluated: 2019-12-31. Review status: criteria provided, single submitter. Criteria: Invitae Variant Classification Sherloc (09022015). Collection method: clinical testing. Allele origin: germline.

NM_002742.3(PRKD1):c.2718T>G (p.Gly906=)

Gene: PRKD1 (protein kinase D1; minus strand). Cytogenetic location: 14q12.
Variant type: single nucleotide variant.
Coding change: c.2718T>G on transcript NM_002742.3 (MANE Select); coding-DNA position 2718, T replaced by G.
Protein change: p.Gly906=; no amino-acid change (glycine 906 retained).
Molecular consequence: synonymous variant.
Genome position (GRCh38, 1-based): chr14:29,577,259, A>C on the plus strand (T>G on the coding strand, the complement: PRKD1 is on the minus strand). VCF-style: chr14-29577259-A-C. GRCh37 (hg19) VCF-style: chr14-30046465-A-C.
Other names: c.2742T>G, p.Gly914= (NM_001330069.2); c.2454T>G, p.Gly818= (NM_001348390.1).
Identifiers: ClinVar variation 720359 (VCV000720359.29), dbSNP rs139896732, ClinGen allele CA7140819.